The following is an entry in ClinVar:

NM_001130144.3(LTBP3):c.3422A>G (p.Gln1141Arg)

Gene: LTBP3 (latent transforming growth factor beta binding protein 3; minus strand). Cytogenetic location: 11q13.1.
Variant type: single nucleotide variant.
Coding change: c.3422A>G on transcript NM_001130144.3 (MANE Select); coding-DNA position 3422, A replaced by G.
Protein change: p.Gln1141Arg; replaces glutamine 1141 with arginine.
Molecular consequence: missense variant.
Genome position (GRCh38, 1-based): chr11:65,539,845, T>C on the plus strand (A>G on the coding strand, the complement: LTBP3 is on the minus strand). VCF-style: chr11-65539845-T-C. GRCh37 (hg19) VCF-style: chr11-65307316-T-C.
Other names: c.2930A>G, p.Gln977Arg (NM_001164266.1); c.3281A>G, p.Gln1094Arg (NM_021070.4); short protein forms Q1094R, Q1141R, Q977R.
Identifiers: ClinVar variation 3868975 (VCV003868975.1).

ClinVar aggregate classification (germline): Uncertain significance (1 of 4 stars; one submission).

Conditions:
Inborn genetic diseases. Identifiers: MedGen C0950123, MeSH D030342.

gnomAD v4.1: 1 of 1,524,636 alleles (0.000066%); highest among the groups gnomAD compares: Non-Finnish European, 0.000088%; no homozygotes.

Submission:

Ambry Genetics
Classification: Uncertain significance for Inborn genetic diseases. Last evaluated: 2025-01-28. Review status: criteria provided, single submitter. Criteria: Ambry Variant Classification Scheme 2023. Collection method: clinical testing. Allele origin: germline.
Comment: The p.Q1141R variant (also known as c.3422A>G), located in coding exon 25 of the LTBP3 gene, results from an A to G substitution at nucleotide position 3422. The glutamine at codon 1141 is replaced by arginine, an amino acid with highly similar properties. This amino acid position is conserved. In addition, the in silico prediction for this alteration is inconclusive. Based on the available evidence, the clinical significance of this variant remains unclear.